The following is an entry in ClinVar:

NM_001035.3(RYR2):c.1666G>A (p.Asp556Asn)

Gene: RYR2 (ryanodine receptor 2; plus strand). Cytogenetic location: 1q43.
Variant type: single nucleotide variant.
Coding change: c.1666G>A on transcript NM_001035.3 (MANE Select); coding-DNA position 1666, G replaced by A.
Protein change: p.Asp556Asn; replaces aspartic acid 556 with asparagine.
Molecular consequence: missense variant.
Genome position (GRCh38, 1-based): chr1:237,469,145, G>A. VCF-style: chr1-237469145-G-A. GRCh37 (hg19) VCF-style: chr1-237632445-G-A.
Other names: p.Asp556Asn; short protein forms D556N.
Identifiers: ClinVar variation 2682729 (VCV002682729.4), dbSNP rs1469603562, ClinGen allele CA345383848.

ClinVar aggregate classification (germline): Uncertain significance. Review status: criteria provided, multiple submitters, no conflicts (2 of 4 stars). 2 submissions from 2 submitters: Uncertain significance (2). Last evaluated 2026-02-04.

Conditions:
Catecholaminergic polymorphic ventricular tachycardia 1. Also called: RYR2-Related Catecholaminergic Polymorphic Ventricular Tachycardia; VENTRICULAR TACHYCARDIA, CATECHOLAMINERGIC POLYMORPHIC, 1, WITH OR WITHOUT ATRIAL DYSFUNCTION AND/OR DILATED CARDIOMYOPATHY; VENTRICULAR TACHYCARDIA, STRESS-INDUCED POLYMORPHIC 1. Identifiers: Orphanet 3286, MedGen C1631597, MONDO:0011484, OMIM 604772.

Allele frequency attached by ClinVar (database versions not stated): gnomAD 0.00001; gnomAD exomes 0.00001.
gnomAD v4.1: 8 of 1,610,804 alleles (0.0005%); highest among the groups gnomAD compares: Non-Finnish European, 0.00068%; no homozygotes.

Submissions (2):

Labcorp Genetics (formerly Invitae), Labcorp
Classification: Uncertain significance for Catecholaminergic polymorphic ventricular tachycardia 1. Last evaluated: 2026-02-04. Review status: criteria provided, single submitter. Criteria: Invitae Variant Classification Sherloc (09022015). Collection method: clinical testing. Allele origin: germline.
Comment: This sequence change replaces aspartic acid, which is acidic and polar, with asparagine, which is neutral and polar, at codon 556 of the RYR2 protein (p.Asp556Asn). This variant is present in population databases (no rsID available, gnomAD 0.0008%). This variant has not been reported in the literature in individuals affected with RYR2-related conditions. ClinVar contains an entry for this variant (Variation ID: 2682729). Invitae Evidence Modeling of protein sequence and biophysical properties (such as structural, functional, and spatial information, amino acid conservation, physicochemical variation, residue mobility, and thermodynamic stability) has been performed for this missense variant. However, the output from this modeling did not meet the statistical confidence thresholds required to predict the impact of this variant on RYR2 protein function. In summary, the available evidence is currently insufficient to determine the role of this variant in disease. Therefore, it has been classified as a Variant of Uncertain Significance.

Mayo Clinic Laboratories, Mayo Clinic
Classification: Uncertain significance. Last evaluated: 2022-02-02. Review status: criteria provided, single submitter. Criteria: ACMG Guidelines, 2015. Collection method: clinical testing. Allele origin: germline. Observed: 1 variant allele.
Comment: PP2